The following is an entry in ClinVar:

NM_031448.6(C19orf12):c.1A>G (p.Met1Val)

Gene: C19orf12 (chromosome 19 open reading frame 12; minus strand). Cytogenetic location: 19q12.
Variant type: single nucleotide variant.
Coding change: c.1A>G on transcript NM_031448.6 (MANE Select); coding-DNA position 1, A replaced by G.
Protein change: p.Met1Val; changes the start codon (methionine 1).
Molecular consequence: missense variant, initiator codon variant. On other transcripts: 5 prime UTR variant (1), intron variant (2).
Genome position (GRCh38, 1-based): chr19:29,708,413, T>C on the plus strand (A>G on the coding strand, the complement: C19orf12 is on the minus strand). VCF-style: chr19-29708413-T-C. GRCh37 (hg19) VCF-style: chr19-30199320-T-C.
Other names: c.1A>G, p.Met1Val (NM_001031726.4, NM_001256046.3, NM_001256047.2); c.-313A>G (NM_001282931.3); c.-32-5436A>G (NM_001282929.1, NM_001282930.3); short protein forms M1V.
Identifiers: ClinVar variation 2731278 (VCV002731278.3), dbSNP rs560956421, ClinGen allele CA9352004.

ClinVar aggregate classification (germline): Uncertain significance (1 of 4 stars; one submission).

Conditions:
Hereditary spastic paraplegia 43. Also called: Spastic paraplegia 43, autosomal recessive. Identifiers: Orphanet 320370, MedGen C2680446, MONDO:0014024, OMIM 615043.

Allele frequency attached by ClinVar (database versions not stated): gnomAD 0.00001; ExAC 0.00002; gnomAD exomes 0.00002; 1000 Genomes Project 30x 0.00016; 1000 Genomes Project 0.00020.

Submission:

Labcorp Genetics (formerly Invitae), Labcorp
Classification: Uncertain significance for Hereditary spastic paraplegia 43. Last evaluated: 2023-01-16. Review status: criteria provided, single submitter. Criteria: Invitae Variant Classification Sherloc (09022015). Collection method: clinical testing. Allele origin: germline.
Comment: In summary, the available evidence is currently insufficient to determine the role of this variant in disease. Therefore, it has been classified as a Variant of Uncertain Significance. Algorithms developed to predict the effect of missense changes on protein structure and function are either unavailable or do not agree on the potential impact of this missense change (SIFT: "Deleterious"; PolyPhen-2: "Possibly Damaging"; Align-GVGD: "Class C0"). This variant has not been reported in the literature in individuals affected with C19orf12-related conditions. This variant is present in population databases (rs560956421, gnomAD 0.01%). This sequence change replaces methionine, which is neutral and non-polar, with valine, which is neutral and non-polar, at codon 12 of the C19orf12 protein (p.Met12Val).